The following is an entry in ClinVar:

ClinVar aggregate classification (germline): Uncertain significance (1 of 4 stars; one submission).

Submission:

Labcorp Genetics (formerly Invitae), Labcorp
Classification: Uncertain significance. Last evaluated: 2025-04-01. Review status: criteria provided, single submitter. Criteria: Invitae Variant Classification Sherloc (09022015). Collection method: clinical testing. Allele origin: germline.
Comment: This sequence change replaces valine, which is neutral and non-polar, with leucine, which is neutral and non-polar, at codon 1015 of the COL7A1 protein (p.Val1015Leu). This variant is not present in population databases (gnomAD no frequency). This variant has not been reported in the literature in individuals affected with COL7A1-related conditions. Invitae Evidence Modeling of protein sequence and biophysical properties (such as structural, functional, and spatial information, amino acid conservation, physicochemical variation, residue mobility, and thermodynamic stability) indicates that this missense variant is not expected to disrupt COL7A1 protein function with a negative predictive value of 95%. In summary, the available evidence is currently insufficient to determine the role of this variant in disease. Therefore, it has been classified as a Variant of Uncertain Significance.

NM_000094.4(COL7A1):c.3043G>C (p.Val1015Leu)

Gene: COL7A1 (collagen type VII alpha 1 chain; minus strand). Cytogenetic location: 3p21.31.
Variant type: single nucleotide variant.
Coding change: c.3043G>C on transcript NM_000094.4 (MANE Select); coding-DNA position 3043, G replaced by C.
Protein change: p.Val1015Leu; replaces valine 1015 with leucine.
Molecular consequence: missense variant.
Genome position (GRCh38, 1-based): chr3:48,587,286, C>G on the plus strand (G>C on the coding strand, the complement: COL7A1 is on the minus strand). VCF-style: chr3-48587286-C-G. GRCh37 (hg19) VCF-style: chr3-48624719-C-G.
Other names: short protein forms V1015L.
Identifiers: ClinVar variation 4801667 (VCV004801667.1).